The following is an entry in ClinVar:

ClinVar aggregate classification (germline): Uncertain significance (1 of 4 stars; one submission).

Conditions:
Inborn genetic diseases. Identifiers: MedGen C0950123, MeSH D030342.

gnomAD v4.1: 4 of 1,613,996 alleles (0.00025%); highest among the groups gnomAD compares: Admixed American, 0.0067%; no homozygotes.

Submission:

Ambry Genetics
Classification: Uncertain significance for Inborn genetic diseases. Last evaluated: 2025-08-23. Review status: criteria provided, single submitter. Criteria: Ambry Variant Classification Scheme 2023. Collection method: clinical testing. Allele origin: germline.
Comment: The p.G183D variant (also known as c.548G>A), located in coding exon 4 of the SBDS gene, results from a G to A substitution at nucleotide position 548. The glycine at codon 183 is replaced by aspartic acid, an amino acid with similar properties. This amino acid position is conserved. In addition, the in silico prediction for this alteration is inconclusive. Based on the available evidence, the clinical significance of this variant remains unclear.

NM_016038.4(SBDS):c.548G>A (p.Gly183Asp)

Gene: SBDS (SBDS ribosome maturation factor; minus strand). Cytogenetic location: 7q11.21.
Variant type: single nucleotide variant.
Coding change: c.548G>A on transcript NM_016038.4 (MANE Select); coding-DNA position 548, G replaced by A.
Protein change: p.Gly183Asp; replaces glycine 183 with aspartic acid.
Molecular consequence: missense variant.
Genome position (GRCh38, 1-based): chr7:66,991,213, C>T on the plus strand (G>A on the coding strand, the complement: SBDS is on the minus strand). VCF-style: chr7-66991213-C-T. GRCh37 (hg19) VCF-style: chr7-66456200-C-T.
Other names: short protein forms G183D.
Identifiers: ClinVar variation 4159790 (VCV004159790.1).